The following is an entry in ClinVar:

NM_004422.3(DVL2):c.621C>T (p.Ser207=)

Genes: DVL2 (dishevelled segment polarity protein 2; minus strand), LOC126862480 (CDK7 strongly-dependent group 2 enhancer GRCh37_chr17:7132793-7133992; plus strand). Cytogenetic location: 17p13.1.
Variant type: single nucleotide variant.
Coding change: c.621C>T on transcript NM_004422.3 (MANE Select); coding-DNA position 621, C replaced by T.
Protein change: p.Ser207=; no amino-acid change (serine 207 retained).
Molecular consequence: synonymous variant.
Genome position (GRCh38, 1-based): chr17:7,229,843, G>A on the plus strand (C>T on the coding strand, the complement: DVL2 is on the minus strand). VCF-style: chr17-7229843-G-A. GRCh37 (hg19) VCF-style: chr17-7133162-G-A.
Identifiers: ClinVar variation 511152 (VCV000511152.2), dbSNP rs222836, ClinGen allele CA8338901.

ClinVar aggregate classification (germline): Benign. Review status: criteria provided, multiple submitters, no conflicts (2 of 4 stars). 2 submissions from 2 submitters: Benign (2). Last evaluated 2018-02-07.

Allele frequency attached by ClinVar (database versions not stated): 1000 Genomes Project 30x 0.44925; 1000 Genomes Project 0.45208; ESP Exome Variant Server 0.45817; TOPMed 0.46110; gnomAD 0.46800 and 0.47336; ExAC 0.51185; gnomAD exomes 0.51254 and 0.51792.
gnomAD v4.1: 827,444 of 1,611,764 alleles (51%); highest among the groups gnomAD compares: South Asian, 60%; 214,992 homozygotes.

Submissions (2):

GeneDx
Classification: Benign. Last evaluated: 2018-02-07. Review status: criteria provided, single submitter. Criteria: GeneDx Variant Classification (06012015). Collection method: clinical testing. Allele origin: germline. Affected: yes.
Comment: This variant is considered likely benign or benign based on one or more of the following criteria: it is a conservative change, it occurs at a poorly conserved position in the protein, it is predicted to be benign by multiple in silico algorithms, and/or has population frequency not consistent with disease.

Breakthrough Genomics
Classification: Benign. Review status: criteria provided, single submitter. Criteria: ACMG Guidelines, 2015. Collection method: not provided. Allele origin: germline. Inheritance: Unknown mechanism. Affected: yes.